The following is an entry in ClinVar:

ClinVar aggregate classification (germline): Benign (1 of 4 stars; one submission).

Allele frequency attached by ClinVar (database versions not stated): 1000 Genomes Project 0.11961; 1000 Genomes Project 30x 0.12008; gnomAD 0.12032 and 0.12217; TOPMed 0.11920.
gnomAD v4.1: 18,535 of 152,216 alleles (12%); highest among the groups gnomAD compares: South Asian, 19%; 1,185 homozygotes.

Submission:

GeneDx
Classification: Benign. Last evaluated: 2018-06-14. Review status: criteria provided, single submitter. Criteria: GeneDx Variant Classification (06012015). Collection method: clinical testing. Allele origin: germline. Affected: yes.
Comment: This variant is considered likely benign or benign based on one or more of the following criteria: it is a conservative change, it occurs at a poorly conserved position in the protein, it is predicted to be benign by multiple in silico algorithms, and/or has population frequency not consistent with disease.

NM_203447.4(DOCK8):c.404+288T>C

Gene: DOCK8 (dedicator of cytokinesis 8; plus strand). Cytogenetic location: 9p24.3.
Variant type: single nucleotide variant.
Coding change: c.404+288T>C on transcript NM_203447.4 (MANE Select); 288 bases into the intron after coding-DNA position 404, T replaced by C.
Molecular consequence: intron variant.
Genome position (GRCh38, 1-based): chr9:289,869, T>C. VCF-style: chr9-289869-T-C. GRCh37 (hg19) VCF-style: chr9-289869-T-C.
Other names: c.200+288T>C (NM_001193536.2, NM_001190458.2).
Identifiers: ClinVar variation 669944 (VCV000669944.1), dbSNP rs62533375, ClinGen allele CA15611860.